The following is an entry in ClinVar:

NM_001364171.2(ODAD1):c.853G>A (p.Ala285Thr)

Gene: ODAD1 (outer dynein arm docking complex subunit 1; minus strand). Cytogenetic location: 19q13.33.
Variant type: single nucleotide variant.
Coding change: c.853G>A on transcript NM_001364171.2 (MANE Select); coding-DNA position 853, G replaced by A.
Protein change: p.Ala285Thr; replaces alanine 285 with threonine.
Molecular consequence: missense variant.
Genome position (GRCh38, 1-based): chr19:48,303,953, C>T on the plus strand (G>A on the coding strand, the complement: ODAD1 is on the minus strand). VCF-style: chr19-48303953-C-T. GRCh37 (hg19) VCF-style: chr19-48807210-C-T.
Other names: c.742G>A, p.Ala248Thr (NM_144577.4); short protein forms A248T, A285T.
Identifiers: ClinVar variation 39637 (VCV000039637.66), dbSNP rs147718607, ClinGen allele CA130413.

ClinVar aggregate classification (germline): Pathogenic/Likely pathogenic. Review status: criteria provided, multiple submitters, no conflicts (2 of 4 stars). 18 submissions from 18 submitters: Pathogenic (12); Likely pathogenic (1). 5 of the submissions do not count toward it. Last evaluated 2025-12-03.

Conditions:
ODAD1-related disorder. Also called: ODAD1-related condition.
CCDC114 & ODAD1-related disorders.
Adams-Oliver syndrome 5 (AOS5). Identifiers: Orphanet 974, MedGen C4014970, MONDO:0014459, OMIM 616028.
Primary ciliary dyskinesia 20. Also called: CILIARY DYSKINESIA, PRIMARY, 20, WITH OR WITHOUT SITUS INVERSUS. Identifiers: Orphanet 244, MedGen C3540844, MONDO:0014030, OMIM 615067.
Primary ciliary dyskinesia. Also called: Ciliary dyskinesia. Identifiers: Orphanet 244, MedGen C0008780, MONDO:0016575, HP:0012265.
Kartagener syndrome (CILD1). Also called: POLYNESIAN BRONCHIECTASIS; SIEWERT SYNDROME; CILIARY DYSKINESIA, PRIMARY, 1; Dextrocardia bronchiectasis and sinusitis; CILIARY DYSKINESIA, PRIMARY, 1, WITH OR WITHOUT SITUS INVERSUS; IMMOTILE CILIA SYNDROME. Identifiers: Orphanet 244, MedGen C4551906, MONDO:0009484, OMIM 244400.

Allele frequency attached by ClinVar (database versions not stated): gnomAD 0.00021 and 0.00022; gnomAD exomes 0.00024 and 0.00025; TOPMed 0.00026; ExAC 0.00031; ESP Exome Variant Server 0.00031.

Submissions 1 to 12 of 19:

Labcorp Genetics (formerly Invitae), Labcorp
Classification: Pathogenic for Primary ciliary dyskinesia. Last evaluated: 2025-12-03. Review status: criteria provided, single submitter. Criteria: Invitae Variant Classification Sherloc (09022015). Collection method: clinical testing. Allele origin: germline.
Comment: This sequence change replaces alanine, which is neutral and non-polar, with threonine, which is neutral and polar, at codon 248 of the CCDC114 protein (p.Ala248Thr). RNA analysis indicates that this missense change induces altered splicing and may result in an absent or altered protein product. This variant is present in population databases (rs147718607, gnomAD 0.05%). This missense change has been observed in individual(s) with primary ciliary dyskinesia (PMID: 23261302, 23261303). It has also been observed to segregate with disease in related individuals. ClinVar contains an entry for this variant (Variation ID: 39637). An algorithm developed to predict the effect of missense changes on protein structure and function (PolyPhen-2) suggests that this variant is likely to be tolerated. Variants that disrupt the consensus splice site are a relatively common cause of aberrant splicing (PMID: 17576681, 9536098). Studies have shown that this missense change results in the use of a cryptic splice donor site, and produces a non-functional protein and/or introduces a premature termination codon (PMID: 23261302). For these reasons, this variant has been classified as Pathogenic.

3billion
Classification: Pathogenic for Primary ciliary dyskinesia 20. Last evaluated: 2025-11-05. Review status: criteria provided, single submitter. Criteria: ACMG Guidelines, 2015. Collection method: clinical testing. Allele origin: germline. Affected: yes.
Comment: The variant is observed at an extremely low frequency in the gnomAD v4.1.0 dataset (total allele frequency: 0.025%). Predicted Consequence/Location: Missense variant. The majority of the known disease-causing variants of this gene are variants expected to result in premature termination of the protein. In silico tools predict the variant to alter splicing and produce an abnormal transcript [SpliceAI: 0.54 (>=0.2, moderate evidence for spliceogenicity)]. The same nucleotide change resulting in the same amino acid change has been previously reported as pathogenic/likely pathogenic with strong evidence (ClinVar ID: VCV000039637 /PMID: 23261303). The variant has been reported to be in trans with a pathogenic variant as either compound heterozygous or homozygous in at least 2 similarly affected unrelated individuals (PMID: 23261302). Therefore, this variant is classified as Pathogenic according to the recommendation of ACMG/AMP guideline.

PreventionGenetics, part of Exact Sciences
Classification: Pathogenic for ODAD1-related condition. Last evaluated: 2025-02-27. Review status: criteria provided, single submitter. Criteria: ACMG Guidelines, 2015. Collection method: clinical testing. Allele origin: germline.
Comment: The ODAD1 c.742G>A variant is predicted to result in the amino acid substitution p.Ala248Thr. This variant has been reported to segregate in multiple families with primary ciliary dyskinesia and laterality defects in the Dutch Volendam population, and is believed to be a founder mutation (Onoufriadis et al. 2013. PubMed ID: 23261303; Knowles et al. 2013. PubMed ID: 23261302). The c.742G base is the terminal nucleotide of exon 7 and alterations of this base have been shown to disrupt the adjacent GT donor site, resulting in a frameshift and premature protein termination (Onoufriadis et al. 2013. PubMed ID: 23261303; Knowles et al. 2013. PubMed ID: 23261302). This variant is reported in 0.047% of alleles in individuals of European (Non-Finnish) descent in gnomAD. This variant is interpreted as pathogenic.

Johns Hopkins Genomics, Johns Hopkins University
Classification: Pathogenic for Adams-Oliver syndrome 5. Last evaluated: 2025-02-03. Review status: criteria provided, single submitter. Criteria: ACMG Guidelines, 2015. Collection method: clinical testing. Allele origin: germline.
Comment: This ODAD1 missense variant has been identified in the homozygous and compound heterozygous state in multiple individuals with primary ciliary dyskinesia. This variant (rs147718607) is rare (<0.1%) in a large population dataset (gnomAD: 400/1613342 total alleles; 0.025%; one homozygote) and has been reported in ClinVar (Variation ID: 39637). ODAD1 c.853G>A alters the last nucleotide of ODAD1 exon 9. Functional studies have demonstrated that this variant weakens the native splice donor site resulting in aberrant ODAD1 splicing. We consider ODAD1 c.853G>A to be pathogenic.

Blueprint Genetics
Classification: Pathogenic for CCDC114 & ODAD1-related disorders. Last evaluated: 2024-08-29. Review status: criteria provided, single submitter. Criteria: ACMG Guidelines, 2015. Collection method: clinical testing. Allele origin: germline. Affected: yes. Observed: 5 variant alleles.

ARUP Laboratories, Molecular Genetics and Genomics, ARUP Laboratories
Classification: Pathogenic for Primary ciliary dyskinesia 20. Last evaluated: 2024-02-16. Review status: criteria provided, single submitter. Criteria: ARUP Molecular Germline Variant Investigation Process 2024. Collection method: clinical testing. Allele origin: germline.
Comment: The ODAD1 c.742G>A; p.Ala248Thr variant (rs147718607) is reported in the literature in several compound heterozygous and homozygous individuals and families affected with primary ciliary dyskinesia (Boaretto 2016, Knowles 2013, Kos 2022, Onoufriadis 2013). This variant is a known founder variant in the Dutch - Volendam population (Kos 2022, Onoufriadis 2013). This variant is reported as pathogenic in ClinVar (Variation ID: 39637), and is found in the non-Finnish European population with an allele frequency of 0.05% (60/128,802 alleles) in the Genome Aggregation Database (v2.1.1). This missense variant disrupts the consensus donor splice site of exon 7, and RNA analysis of homozygous individuals showed the use of a cryptic splice site and introduction of a premature termination codon (Knowles 2013, Onoufriadis 2013). Based on available information, this variant is considered to be pathogenic. References: Boaretto F et al. Diagnosis of Primary Ciliary Dyskinesia by a Targeted Next-Generation Sequencing Panel: Molecular and Clinical Findings in Italian Patients. J Mol Diagn. 2016 Nov;18(6):912-922. PMID: 27637300. Knowles MR et al. Exome sequencing identifies mutations in CCDC114 as a cause of primary ciliary dyskinesia. Am J Hum Genet. 2013 Jan 10;92(1):99-106. PMID: 23261302. Kos R et al. Primary ciliary dyskinesia in Volendam: Diagnostic and phenotypic features in patients with a CCDC114 mutation. Am J Med Genet C Semin Med Genet. 2022 Mar;190(1):89-101. PMID: 35343062. Onoufriadis A et al. Splice-site mutations in the axonemal outer dynein arm docking complex gene CCDC114 cause primary ciliary dyskinesia. Am J Hum Genet. 2013 Jan 10;92(1):88-98. PMID: 23261303.

Department of Human Genetics, Hannover Medical School
Classification: Likely pathogenic for Primary ciliary dyskinesia 20. Last evaluated: 2023-04-06. Review status: criteria provided, single submitter. Criteria: ACMG Guidelines, 2015. Collection method: clinical testing. Allele origin: germline. Inheritance: Autosomal recessive inheritance. Affected: yes.

GeneDx
Classification: Pathogenic. Last evaluated: 2023-03-14. Review status: criteria provided, single submitter. Criteria: GeneDx Variant Classification Process June 2021. Collection method: clinical testing. Allele origin: germline.
Comment: Reported as a common pathogenic variant among individuals of Dutch Volendam background (Onoufriadis et al., 2013; Kos et al., 2022); Non-canonical splice site variant demonstrated to result in loss of function (Onoufriadis et al., 2013); This variant is associated with the following publications: (PMID: 23261303, 20301301, 23261302, 35163670, 35343062)

Department of Pathology and Laboratory Medicine, Sinai Health System
Classification: Pathogenic for Primary ciliary dyskinesia 20. Last evaluated: 2023-02-16. Review status: criteria provided, single submitter. Criteria: ACMG Guidelines, 2015. Collection method: research. Allele origin: germline.

CeGaT Center for Human Genetics Tuebingen
Classification: Pathogenic. Last evaluated: 2022-07-01. Review status: criteria provided, single submitter. Criteria: CeGaT Center For Human Genetics Tuebingen Variant Classification Criteria Version 2. Collection method: clinical testing. Allele origin: germline. Affected: yes. Observed: 1 variant allele.

Fulgent Genetics
Classification: Pathogenic for Primary ciliary dyskinesia 20. Last evaluated: 2022-02-16. Review status: criteria provided, single submitter. Criteria: ACMG Guidelines, 2015. Collection method: clinical testing. Allele origin: unknown.

UNC Molecular Genetics  Laboratory, University of North Carolina at Chapel Hill
Classification: Pathogenic for Primary ciliary dyskinesia. Last evaluated: 2019-04-02. Review status: criteria provided, single submitter. Criteria: ACMG Guidelines, 2015. Collection method: clinical testing. Allele origin: germline. Affected: yes. Observed: 1 homozygote.